The following is an entry in ClinVar:

NM_002907.4(RECQL):c.583G>T (p.Ala195Ser)

Gene: RECQL (RecQ like helicase; minus strand). Cytogenetic location: 12p12.1.
Variant type: single nucleotide variant.
Coding change: c.583G>T on transcript NM_002907.4 (MANE Select); coding-DNA position 583, G replaced by T.
Protein change: p.Ala195Ser; replaces alanine 195 with serine.
Molecular consequence: missense variant.
Genome position (GRCh38, 1-based): chr12:21,483,493, C>A on the plus strand (G>T on the coding strand, the complement: RECQL is on the minus strand). VCF-style: chr12-21483493-C-A. GRCh37 (hg19) VCF-style: chr12-21636427-C-A.
Other names: c.583G>T, p.Ala195Ser (NM_032941.3); short protein forms A195S.
Identifiers: ClinVar variation 940931 (VCV000940931.12), dbSNP rs1477534266, ClinGen allele CA384127396.
Genomic context (GRCh38, chr12:21,483,493, plus strand): 5'-GAGTAAATCTCCTTGCTTCATAGGCTTTCTCTAGTCTTGACATAAACATTTTGCTTTTTG[C>A]AATTTTCTCTGGAGTCACATAAATCAGCTTTAACTCGGAGTTTTTATTTACCATTTCAGC-3'
Protein context (NP_002898.2, residues 185-205): KLIYVTPEKI[Ala195Ser]KSKMFMSRLE

ClinVar aggregate classification (germline): Uncertain significance. Review status: criteria provided, multiple submitters, no conflicts (2 of 4 stars). 2 submissions from 2 submitters: Uncertain significance (2). Last evaluated 2021-08-27.

Allele frequency attached by ClinVar (database versions not stated): TOPMed below 0.00001; gnomAD 0.00001.
gnomAD v4.1: 1 of 1,586,118 alleles (0.000063%); highest among the groups gnomAD compares: East Asian, 0.0023%; no homozygotes.

Submissions (2):

Ambry Genetics
Classification: Uncertain significance. Last evaluated: 2021-08-27. Review status: criteria provided, single submitter. Criteria: Ambry Variant Classification Scheme 2023. Collection method: clinical testing. Allele origin: germline.
Comment: The p.A195S variant (also known as c.583G>T), located in coding exon 5 of the RECQL gene, results from a G to T substitution at nucleotide position 583. The alanine at codon 195 is replaced by serine, an amino acid with similar properties. This amino acid position is highly conserved in available vertebrate species. This alteration has been reported in a breast cancer patient and functional studies performed have demonstrated abnormal function (Sun J et al. PLoS Genet, 2015 May;11:e1005228; Parvathaneni S et al. J Biol Chem, 2019 10;294:15330-15345). In addition, this alteration is predicted to be tolerated by in silico analysis. Since supporting evidence is limited at this time, the clinical significance of this alteration remains unclear.

Labcorp Genetics (formerly Invitae), Labcorp
Classification: Uncertain significance. Last evaluated: 2019-10-12. Review status: criteria provided, single submitter. Criteria: Invitae Variant Classification Sherloc (09022015). Collection method: clinical testing. Allele origin: germline.
Comment: This variant has been reported to affect RECQL protein function (PMID: 25945795). In summary, the available evidence is currently insufficient to determine the role of this variant in disease. Therefore, it has been classified as a Variant of Uncertain Significance. This variant has been observed in individual(s) affected with breast cancer (PMID: 25945795, 28724667). This variant is not present in population databases (ExAC no frequency). This sequence change replaces alanine with serine at codon 195 of the RECQL protein (p.Ala195Ser). The alanine residue is highly conserved and there is a moderate physicochemical difference between alanine and serine.

Literature cited by the submitters: PubMed 25945795 (cited by Ambry Genetics and Labcorp Genetics (formerly Invitae), Labcorp); PubMed 28724667 (cited by Ambry Genetics and Labcorp Genetics (formerly Invitae), Labcorp); PubMed 31444271 (cited by Ambry Genetics).